The following is an entry in ClinVar:

ClinVar aggregate classification (germline): Pathogenic (0 of 4 stars; one submission).

Conditions:
Angelman syndrome (AS). Also called: HAPPY PUPPET SYNDROME. Identifiers: Orphanet 72, MedGen C0162635, MONDO:0007113, OMIM 105830. Disease mechanism: loss of function. Inheritance: AS is caused by disruption of maternally imprinted UBE3A located within the 15q11.2-q13 Angelman syndrome/Prader-Willi syndrome (AS/PWS) region., imprinting disorder.

Submission:

Baylor Genetics
Classification: Pathogenic for Angelman Syndrome. Last evaluated: 2014-02-14. Review status: no assertion criteria provided. Collection method: clinical testing. Allele origin: germline. Affected: yes. Observed: 1 variant allele. Study: UBE3A Mutation Study.
Comment: Data collected from clinical UBE3A sequence analysis results

Literature cited by the submitters: PubMed 25212744.

NM_130839.5(UBE3A):c.1447del (p.Ala483fs)

Genes: SNHG14 (small nucleolar RNA host gene 14; plus strand), UBE3A (ubiquitin protein ligase E3A; minus strand). Cytogenetic location: 15q11.2.
Variant type: Deletion.
Coding change: c.1447del on transcript NM_130839.5 (MANE Select); coding-DNA position 1447, one base deleted (G; older notation c.1447delG).
Protein change: p.Ala483fs; shifts the reading frame from alanine 483.
Molecular consequence: frameshift variant. On other transcripts: non-coding transcript variant (1), intron variant (2).
Genome position (GRCh38, 1-based): chr15:25,370,727, C deleted on the plus strand (G on the coding strand, the reverse complement: UBE3A is on the minus strand). VCF-style (leftmost placement, unchanged base first): chr15-25370726-GC-G. GRCh37 (hg19) VCF-style: chr15-25615873-GC-G.
Other names: c.1456del, p.Ala486fs (NM_000462.5); c.1447del, p.Ala483fs (NM_001354505.1, NM_001354538.2, NM_001354545.2); c.1387del, p.Ala463fs (NM_001354506.2, NM_001354507.2, NM_001354508.2 and 17 more transcripts); c.1270del, p.Ala424fs (NM_001354546.2); c.301+4738del (NM_001354551.2); c.361+4738del (NM_001354550.2); short protein forms A424fs, A463fs, A483fs, A486fs.
Identifiers: ClinVar variation 155953 (VCV000155953.1), dbSNP rs587781202, ClinGen allele CA333320.
Genomic context (GRCh38, chr15:25,370,726, plus strand): 5'-CTTCGTTCACTGTACATGCGAATTCTATTGTCATAATATAATCCCAAATTCTTTGTGACA[GC>G]ATTCAATATAAAGGGACATGTCATAAAAGAGAATTTGTTCTCTGTTTCTACTTTGAAAAA-3'